The following is an entry in ClinVar:

ClinVar aggregate classification (germline): Uncertain significance (1 of 4 stars; one submission).

Conditions:
Primary familial hypertrophic cardiomyopathy (HCM). Identifiers: Orphanet 99739, MedGen C0949658, MeSH D024741, MONDO:0024573. Inheritance: Various modes of inheritance.
Dilated cardiomyopathy 1AA (CMD1AA). Also called: CARDIOMYOPATHY, DILATED, 1AA, WITH OR WITHOUT LEFT VENTRICULAR NONCOMPACTION; CARDIOMYOPATHY, FAMILIAL HYPERTROPHIC, 23, WITH OR WITHOUT LEFT VENTRICULAR NONCOMPACTION; Cardiomyopathy, dilated, 1AA, with or without LVNC. Identifiers: Orphanet 154, MedGen C2677338, MONDO:0012808, OMIM 612158.

Submission:

Labcorp Genetics (formerly Invitae), Labcorp
Classification: Uncertain significance for Primary familial hypertrophic cardiomyopathy; Dilated cardiomyopathy 1AA. Last evaluated: 2022-01-06. Review status: criteria provided, single submitter. Criteria: Invitae Variant Classification Sherloc (09022015). Collection method: clinical testing. Allele origin: germline.
Comment: ClinVar contains an entry for this variant (Variation ID: 1004464). In summary, the available evidence is currently insufficient to determine the role of this variant in disease. Therefore, it has been classified as a Variant of Uncertain Significance. Algorithms developed to predict the effect of sequence changes on RNA splicing suggest that this variant may disrupt the consensus splice site. Algorithms developed to predict the effect of missense changes on protein structure and function (SIFT, PolyPhen-2, Align-GVGD) all suggest that this variant is likely to be disruptive. This variant has not been reported in the literature in individuals affected with ACTN2-related conditions. This variant is not present in population databases (gnomAD no frequency). This sequence change replaces aspartic acid, which is acidic and polar, with tyrosine, which is neutral and polar, at codon 206 of the ACTN2 protein (p.Asp206Tyr).

NM_001103.4(ACTN2):c.616G>T (p.Asp206Tyr)

Gene: ACTN2 (actinin alpha 2; plus strand). Cytogenetic location: 1q43.
Variant type: single nucleotide variant.
Coding change: c.616G>T on transcript NM_001103.4 (MANE Select); coding-DNA position 616, G replaced by T.
Protein change: p.Asp206Tyr; replaces aspartic acid 206 with tyrosine.
Molecular consequence: missense variant. On other transcripts: 5 prime UTR variant (1).
Genome position (GRCh38, 1-based): chr1:236,731,233, G>T. VCF-style: chr1-236731233-G-T. GRCh37 (hg19) VCF-style: chr1-236894533-G-T.
Other names: c.616G>T, p.Asp206Tyr (NM_001278343.2); c.-206G>T (NM_001278344.2); short protein forms D206Y.
Identifiers: ClinVar variation 1004464 (VCV001004464.9), dbSNP rs1658704139, ClinGen allele CA345375760.